The following is an entry in ClinVar:

ClinVar aggregate classification (germline): Likely pathogenic (1 of 4 stars; one submission).

Conditions:
Multiple congenital anomalies-hypotonia-seizures syndrome 1 (MCAHS1). Also called: GLYCOSYLPHOSPHATIDYLINOSITOL BIOSYNTHESIS DEFECT 3; PIGN-CDG; Congenital disorder of glycosylation due to PIGN deficiency. Identifiers: Orphanet 280633, MedGen C3279775, MONDO:0013563, OMIM 614080.

Allele frequency attached by ClinVar (database versions not stated): gnomAD exomes below 0.00001; TOPMed below 0.00001.
gnomAD v4.1: 2 of 1,540,380 alleles (0.00013%); highest among the groups gnomAD compares: Non-Finnish European, 0.00018%; no homozygotes.

Submission:

Labcorp Genetics (formerly Invitae), Labcorp
Classification: Likely pathogenic for Multiple congenital anomalies-hypotonia-seizures syndrome 1. Last evaluated: 2024-02-17. Review status: criteria provided, single submitter. Criteria: Invitae Variant Classification Sherloc (09022015). Collection method: clinical testing. Allele origin: germline.
Comment: This sequence change affects an acceptor splice site in intron 25 of the PIGN gene. It is expected to disrupt RNA splicing. Variants that disrupt the donor or acceptor splice site typically lead to a loss of protein function (PMID: 16199547), and loss-of-function variants in PIGN are known to be pathogenic (PMID: 24253414, 27038415). The frequency data for this variant in the population databases is considered unreliable, as metrics indicate poor data quality at this position in the gnomAD database. This variant has not been reported in the literature in individuals affected with PIGN-related conditions. Algorithms developed to predict the effect of sequence changes on RNA splicing suggest that this variant may disrupt the consensus splice site. In summary, the currently available evidence indicates that the variant is pathogenic, but additional data are needed to prove that conclusively. Therefore, this variant has been classified as Likely Pathogenic.

Literature cited by the submitters: PubMed 16199547; PubMed 24253414; PubMed 27038415.

NM_176787.5(PIGN):c.2371-1G>T

Gene: PIGN (phosphatidylinositol glycan anchor biosynthesis class N; minus strand). Cytogenetic location: 18q21.33.
Variant type: single nucleotide variant.
Coding change: c.2371-1G>T on transcript NM_176787.5 (MANE Select); the canonical splice acceptor site of the intron before coding-DNA position 2371, G replaced by T.
Molecular consequence: splice acceptor variant.
Genome position (GRCh38, 1-based): chr18:62,085,265, C>A on the plus strand (G>T on the coding strand, the complement: PIGN is on the minus strand). VCF-style: chr18-62085265-C-A. GRCh37 (hg19) VCF-style: chr18-59752498-C-A.
Other names: c.2371-1G>T (NM_012327.6).
Identifiers: ClinVar variation 2990484 (VCV002990484.3), dbSNP rs778689280, ClinGen allele CA402601712.